The following is an entry in ClinVar:

ClinVar aggregate classification (germline): Uncertain significance (1 of 4 stars; one submission).

Conditions:
Cardiovascular phenotype. Identifiers: MedGen CN230736.

Allele frequency attached by ClinVar (database versions not stated): gnomAD 0.00001; TOPMed 0.00001.
gnomAD v4.1: 1 of 1,550,200 alleles (0.000065%); highest among the groups gnomAD compares: African/African-American, 0.0014%; no homozygotes.

Submission:

Ambry Genetics
Classification: Uncertain significance for Cardiovascular phenotype. Last evaluated: 2023-02-11. Review status: criteria provided, single submitter. Criteria: Ambry Variant Classification Scheme 2023. Collection method: clinical testing. Allele origin: germline.
Comment: The p.L2222V variant (also known as c.6664T>G), located in coding exon 2 of the ZNF469 gene, results from a T to G substitution at nucleotide position 6664. The leucine at codon 2222 is replaced by valine, an amino acid with highly similar properties. This amino acid position is conserved. In addition, this alteration is predicted to be tolerated by in silico analysis. Since supporting evidence is limited at this time, the clinical significance of this alteration remains unclear.

NM_001367624.2(ZNF469):c.6748T>G (p.Leu2250Val)

Gene: ZNF469 (zinc finger protein 469; plus strand). Cytogenetic location: 16q24.2.
Variant type: single nucleotide variant.
Coding change: c.6748T>G on transcript NM_001367624.2 (MANE Select); coding-DNA position 6748, T replaced by G.
Protein change: p.Leu2250Val; replaces leucine 2250 with valine.
Molecular consequence: missense variant.
Genome position (GRCh38, 1-based): chr16:88,434,218, T>G. VCF-style: chr16-88434218-T-G. GRCh37 (hg19) VCF-style: chr16-88500626-T-G.
Other names: NM_001127464.1:c.6664T>G; short protein forms L2250V.
Identifiers: ClinVar variation 2449504 (VCV002449504.2), dbSNP rs1597211543, ClinGen allele CA397106751.